The following is an entry in ClinVar:

NM_001231.5(CASQ1):c.806C>T (p.Pro269Leu)

Gene: CASQ1 (calsequestrin 1; plus strand). Cytogenetic location: 1q23.2.
Variant type: single nucleotide variant.
Coding change: c.806C>T on transcript NM_001231.5 (MANE Select); coding-DNA position 806, C replaced by T.
Protein change: p.Pro269Leu; replaces proline 269 with leucine.
Molecular consequence: missense variant.
Genome position (GRCh38, 1-based): chr1:160,197,592, C>T. VCF-style: chr1-160197592-C-T. GRCh37 (hg19) VCF-style: chr1-160167382-C-T.
Other names: short protein forms P269L.
Identifiers: ClinVar variation 1393680 (VCV001393680.33), dbSNP rs559664470, ClinGen allele CA1196342.
Genomic context (GRCh38, chr1:160,197,592, plus strand): 5'-ACCCACTGAGTAATGACACTCTGTCTGTCTCTTCTAGATCAACCCTGAGGAAACTGAAGC[C>T]GGAGAGTATGTATGAGACCTGGGTGAGTGCCCCTGGCCAGGGTCAAGCCCTCAGGGAAGC-3'
Protein context (NP_001222.3, residues 259-279): HRRSTLRKLK[Pro269Leu]ESMYETWEDD

ClinVar aggregate classification (germline): Uncertain significance. Review status: criteria provided, multiple submitters, no conflicts (2 of 4 stars). 3 submissions from 3 submitters: Uncertain significance (3). Last evaluated 2025-02-26.

Conditions:
Inborn genetic diseases. Identifiers: MedGen C0950123, MeSH D030342.

Allele frequency attached by ClinVar (database versions not stated): gnomAD 0.00002 and 0.00003; ExAC 0.00005; TOPMed 0.00005; gnomAD exomes 0.00006 and 0.00007; 1000 Genomes Project 30x 0.00016; 1000 Genomes Project 0.00020.
gnomAD v4.1: 103 of 1,612,052 alleles (0.0064%); highest among the groups gnomAD compares: Middle Eastern, 0.033%; no homozygotes.

Submissions (3):

Labcorp Genetics (formerly Invitae), Labcorp
Classification: Uncertain significance. Last evaluated: 2025-02-26. Review status: criteria provided, single submitter. Criteria: Invitae Variant Classification Sherloc (09022015). Collection method: clinical testing. Allele origin: germline.
Comment: This sequence change replaces proline, which is neutral and non-polar, with leucine, which is neutral and non-polar, at codon 269 of the CASQ1 protein (p.Pro269Leu). This variant is present in population databases (rs559664470, gnomAD 0.02%). This variant has not been reported in the literature in individuals affected with CASQ1-related conditions. ClinVar contains an entry for this variant (Variation ID: 1393680). Invitae Evidence Modeling of protein sequence and biophysical properties (such as structural, functional, and spatial information, amino acid conservation, physicochemical variation, residue mobility, and thermodynamic stability) indicates that this missense variant is not expected to disrupt CASQ1 protein function with a negative predictive value of 80%. In summary, the available evidence is currently insufficient to determine the role of this variant in disease. Therefore, it has been classified as a Variant of Uncertain Significance.

Ambry Genetics
Classification: Uncertain significance for Inborn genetic diseases. Last evaluated: 2024-01-23. Review status: criteria provided, single submitter. Criteria: Ambry Variant Classification Scheme 2023. Collection method: clinical testing. Allele origin: germline.

CeGaT Center for Human Genetics Tuebingen
Classification: Uncertain significance. Last evaluated: 2022-10-01. Review status: criteria provided, single submitter. Criteria: CeGaT Center For Human Genetics Tuebingen Variant Classification Criteria Version 2. Collection method: clinical testing. Allele origin: germline. Affected: yes. Observed: 1 variant allele.